The following is an entry in ClinVar:

NM_001242896.3(DEPDC5):c.4505A>C (p.Tyr1502Ser)

Gene: DEPDC5 (DEP domain containing 5, GATOR1 subcomplex subunit; plus strand). Cytogenetic location: 22q12.3.
Variant type: single nucleotide variant.
Coding change: c.4505A>C on transcript NM_001242896.3 (MANE Select); coding-DNA position 4505, A replaced by C.
Protein change: p.Tyr1502Ser; replaces tyrosine 1502 with serine.
Molecular consequence: missense variant. On other transcripts: non-coding transcript variant (5).
Genome position (GRCh38, 1-based): chr22:31,906,052, A>C. VCF-style: chr22-31906052-A-C. GRCh37 (hg19) VCF-style: chr22-32302038-A-C.
Other names: c.4478A>C, p.Tyr1493Ser (NM_001136029.4); c.4205A>C, p.Tyr1402Ser (NM_001242897.2); c.4439A>C, p.Tyr1480Ser (NM_001363852.2, NM_001364320.2); c.4271A>C, p.Tyr1424Ser (NM_001363854.2, NM_001364319.2); c.4505A>C, p.Tyr1502Ser (NM_001364318.2); c.4421A>C, p.Tyr1474Ser (NM_001369901.1, NM_001369902.1); c.4412A>C, p.Tyr1471Ser (NM_001369903.1, NM_014662.6); short protein forms Y1402S, Y1474S, Y1480S, Y1471S, Y1502S, Y1424S, Y1493S.
Identifiers: ClinVar variation 1411376 (VCV001411376.6), dbSNP rs925107113, ClinGen allele CA411291953.

ClinVar aggregate classification (germline): Uncertain significance (1 of 4 stars; one submission).

Conditions:
Familial focal epilepsy with variable foci (FPEVF). Identifiers: Orphanet 98820, MedGen C1858477, MONDO:0020310.

Allele frequency attached by ClinVar (database versions not stated): gnomAD 0.00001.
gnomAD v4.1: 4 of 1,614,056 alleles (0.00025%); highest among the groups gnomAD compares: Non-Finnish European, 0.00034%; no homozygotes.

Submission:

Labcorp Genetics (formerly Invitae), Labcorp
Classification: Uncertain significance for Familial focal epilepsy with variable foci. Last evaluated: 2025-08-11. Review status: criteria provided, single submitter. Criteria: Invitae Variant Classification Sherloc (09022015). Collection method: clinical testing. Allele origin: germline.
Comment: This sequence change replaces tyrosine, which is neutral and polar, with serine, which is neutral and polar, at codon 1502 of the DEPDC5 protein (p.Tyr1502Ser). This variant is not present in population databases (gnomAD no frequency). This variant has not been reported in the literature in individuals affected with DEPDC5-related conditions. ClinVar contains an entry for this variant (Variation ID: 1411376). Experimental studies and prediction algorithms are not available or were not evaluated, and the functional significance of this variant is currently unknown. In summary, the available evidence is currently insufficient to determine the role of this variant in disease. Therefore, it has been classified as a Variant of Uncertain Significance.